The following is an entry in ClinVar:

NM_000458.4(HNF1B):c.1008C>T (p.His336=)

Gene: HNF1B (HNF1 homeobox B; minus strand). Cytogenetic location: 17q12.
Variant type: single nucleotide variant.
Coding change: c.1008C>T on transcript NM_000458.4 (MANE Select); coding-DNA position 1008, C replaced by T.
Protein change: p.His336=; no amino-acid change (histidine 336 retained).
Molecular consequence: synonymous variant.
Genome position (GRCh38, 1-based): chr17:37,731,632, G>A on the plus strand (C>T on the coding strand, the complement: HNF1B is on the minus strand). VCF-style: chr17-37731632-G-A. GRCh37 (hg19) VCF-style: chr17-36091623-G-A.
Other names: c.1008C>T (NM_000458.2, NM_000458.3); c.930C>T, p.His310= (NM_001165923.4, NM_001304286.2).
Identifiers: ClinVar variation 502356 (VCV000502356.13), dbSNP rs150268130, ClinGen allele CA8518949.
Genomic context (GRCh38, chr17:37,731,632, plus strand): 5'-AGTGAGGCCCAACCTTTGCTTACCTGACAGCTTGTTTGGAGGAGAGGAGCTGGGCTGGTG[G>A]TGGGGGGAGCCGTGGGAGAGCAGAGGGTTCAGGCTGTGAGTCTGGTTGGAGCTATAGGCG-3'
Protein context (NP_000449.1, residues 326-346): LNPLLSHGSP[His336=]HQPSSSPPNK

ClinVar aggregate classification (germline): Conflicting classifications of pathogenicity. Review status: criteria provided, conflicting classifications (1 of 4 stars). 6 submissions from 6 submitters: Uncertain significance (1); Likely benign (5). Last evaluated 2025-11-11.

Conditions:
HNF1B-related disorder. Also called: HNF1B-related condition; HNF1B-related disorders.
Maturity-onset diabetes of the young (MODY). Also called: Maturity onset diabetes mellitus in young. Identifiers: Orphanet 552, MedGen C0342276, MONDO:0018911, HP:0004904.

Allele frequency attached by ClinVar (database versions not stated): gnomAD exomes 0.00008 and 0.00006; ExAC 0.00009; TOPMed 0.00003; gnomAD 0.00004; ESP Exome Variant Server 0.00008.
gnomAD v4.1: 91 of 1,613,860 alleles (0.0056%); highest among the groups gnomAD compares: Middle Eastern, 0.066%; 1 homozygote.

Submissions (6):

Labcorp Genetics (formerly Invitae), Labcorp
Classification: Likely benign. Last evaluated: 2025-11-11. Review status: criteria provided, single submitter. Criteria: Invitae Variant Classification Sherloc (09022015). Collection method: clinical testing. Allele origin: germline.

PreventionGenetics, part of Exact Sciences
Classification: Likely benign for HNF1B-related condition. Last evaluated: 2025-10-15. Review status: criteria provided, single submitter. Criteria: ACMG Guidelines, 2015. Collection method: clinical testing. Allele origin: germline.
Comment: This variant is classified as likely benign based on ACMG/AMP sequence variant interpretation guidelines (Richards et al. 2015 PMID: 25741868, with internal and published modifications).

Ambry Genetics
Classification: Likely benign for Maturity-onset diabetes of the young. Last evaluated: 2025-05-27. Review status: criteria provided, single submitter. Criteria: Ambry Variant Classification Scheme 2023. Collection method: clinical testing. Allele origin: germline.

Blueprint Genetics
Classification: Likely benign. Last evaluated: 2024-03-25. Review status: criteria provided, single submitter. Criteria: ACMG Guidelines, 2015. Collection method: clinical testing. Allele origin: germline.

Eurofins Ntd Llc (ga)
Classification: Uncertain significance. Last evaluated: 2017-05-31. Review status: criteria provided, single submitter. Criteria: EGL Classification Definitions 2015. Collection method: clinical testing. Allele origin: germline. Observed: 1 variant allele, 1 heterozygote.

Clinical Genomics, Uppaluri K&H Personalized Medicine Clinic
Classification: Likely benign for Maturity-onset diabetes of the young. Review status: criteria provided, single submitter. Criteria: K & H Uppaluri Personalized Medicine Clinic Variant Classification & Assertion Criteria_Updated V.1. Collection method: research. Allele origin: unknown. Inheritance: Autosomal dominant inheritance.
Comment: HNF1B gene mutations are associated with early onset diabetes and pancreatic atrophy. It is also associated with multiple renal manifestations including renal cysts, Tubulointerstitial disease, glomerulocystic disease, renal hypoplasia, hypomagnesemia. However no sufficient evidence is found to ascertain the role of this particular variant rs150268130, yet.

Literature cited by the submitters: PubMed 24897035 (cited by Clinical Genomics, Uppaluri K&H Personalized Medicine Clinic); PubMed 25536396 (cited by Clinical Genomics, Uppaluri K&H Personalized Medicine Clinic); PubMed 27615128 (cited by Clinical Genomics, Uppaluri K&H Personalized Medicine Clinic); PubMed 28215227 (cited by Clinical Genomics, Uppaluri K&H Personalized Medicine Clinic); PubMed 33434175 (cited by Clinical Genomics, Uppaluri K&H Personalized Medicine Clinic); PubMed 25741167 (cited by Clinical Genomics, Uppaluri K&H Personalized Medicine Clinic); PubMed 26340261 (cited by Clinical Genomics, Uppaluri K&H Personalized Medicine Clinic); PubMed 19639018 (cited by Clinical Genomics, Uppaluri K&H Personalized Medicine Clinic).